The following is an entry in ClinVar:

NM_138295.5(PKD1L1):c.3532G>A (p.Gly1178Ser)

Gene: PKD1L1 (polycystin 1 like 1, transient receptor potential channel interacting; minus strand). Cytogenetic location: 7p12.3.
Variant type: single nucleotide variant.
Coding change: c.3532G>A on transcript NM_138295.5 (MANE Select); coding-DNA position 3532, G replaced by A.
Protein change: p.Gly1178Ser; replaces glycine 1178 with serine.
Molecular consequence: missense variant.
Genome position (GRCh38, 1-based): chr7:47,877,620, C>T on the plus strand (G>A on the coding strand, the complement: PKD1L1 is on the minus strand). VCF-style: chr7-47877620-C-T. GRCh37 (hg19) VCF-style: chr7-47917218-C-T.
Other names: short protein forms G1178S.
Identifiers: ClinVar variation 3350595 (VCV003350595.1).
Genomic context (GRCh38, chr7:47,877,620, plus strand): 5'-AGGCCATGTCCCGAGGAGCCGGGTTGACTGTCAAGTACAGCTGAGCTTTACCCAGTAAGC[C>T]ATGCTTCGAAGCTAAAGAGAAAGATGAAGCAGCGGTTTCACCCATGATGGAGAATTACAG-3'
Protein context (NP_612152.1, residues 1168-1188): VLQVSVASKH[Gly1178Ser]LLGKAQLYLT

ClinVar aggregate classification (germline): Uncertain significance (0 of 4 stars; one submission).

Conditions:
PKD1L1-related disorder. Also called: PKD1L1-related condition.

gnomAD v4.1: 3 of 1,613,878 alleles (0.00019%); highest among the groups gnomAD compares: African/African-American, 0.0013%; no homozygotes.

Submission:

PreventionGenetics, part of Exact Sciences
Classification: Uncertain significance for PKD1L1-related condition. Last evaluated: 2024-03-27. Review status: no assertion criteria provided. Collection method: clinical testing. Allele origin: germline.
Comment: The PKD1L1 c.3532G>A variant is predicted to result in the amino acid substitution p.Gly1178Ser. To our knowledge, this variant has not been reported in the literature. This variant is reported in 0.00088% of alleles in individuals of European (Non-Finnish) descent in gnomAD. At this time, the clinical significance of this variant is uncertain due to the absence of conclusive functional and genetic evidence.